The following is an entry in ClinVar:

ClinVar aggregate classification (germline): Uncertain significance (1 of 4 stars; one submission).

Allele frequency attached by ClinVar (database versions not stated): gnomAD exomes below 0.00001; TOPMed below 0.00001; gnomAD 0.00001.
gnomAD v4.1: 3 of 1,613,802 alleles (0.00019%); highest among the groups gnomAD compares: South Asian, 0.0022%; no homozygotes.

Submission:

Labcorp Genetics (formerly Invitae), Labcorp
Classification: Uncertain significance. Last evaluated: 2024-10-16. Review status: criteria provided, single submitter. Criteria: Invitae Variant Classification Sherloc (09022015). Collection method: clinical testing. Allele origin: germline.
Comment: This sequence change replaces isoleucine, which is neutral and non-polar, with methionine, which is neutral and non-polar, at codon 25 of the GGCX protein (p.Ile25Met). This variant is present in population databases (no rsID available, gnomAD 0.003%). This variant has not been reported in the literature in individuals affected with GGCX-related conditions. ClinVar contains an entry for this variant (Variation ID: 1520913). An algorithm developed to predict the effect of missense changes on protein structure and function (PolyPhen-2) suggests that this variant is likely to be tolerated. In summary, the available evidence is currently insufficient to determine the role of this variant in disease. Therefore, it has been classified as a Variant of Uncertain Significance.

NM_000821.7(GGCX):c.75C>G (p.Ile25Met)

Gene: GGCX (gamma-glutamyl carboxylase; minus strand). Cytogenetic location: 2p11.2.
Variant type: single nucleotide variant.
Coding change: c.75C>G on transcript NM_000821.7 (MANE Select); coding-DNA position 75, C replaced by G.
Protein change: p.Ile25Met; replaces isoleucine 25 with methionine.
Molecular consequence: missense variant. On other transcripts: intron variant (1).
Genome position (GRCh38, 1-based): chr2:85,560,954, G>C on the plus strand (C>G on the coding strand, the complement: GGCX is on the minus strand). VCF-style: chr2-85560954-G-C. GRCh37 (hg19) VCF-style: chr2-85788077-G-C.
Other names: c.75C>G, p.Ile25Met (NM_001311312.3); c.43+432C>G (NM_001142269.4); short protein forms I25M.
Identifiers: ClinVar variation 1520913 (VCV001520913.5), dbSNP rs1329669043, ClinGen allele CA347493542.